The following is an entry in ClinVar:

NM_001040151.2(SCN3B):c.585-185G>A

Gene: SCN3B (sodium voltage-gated channel beta subunit 3; minus strand). Cytogenetic location: 11q24.1.
Variant type: single nucleotide variant.
Coding change: c.585-185G>A on transcript NM_001040151.2 (MANE Select); 185 bases into the intron before coding-DNA position 585, G replaced by A.
Molecular consequence: intron variant.
Genome position (GRCh38, 1-based): chr11:123,634,391, C>T on the plus strand (G>A on the coding strand, the complement: SCN3B is on the minus strand). VCF-style: chr11-123634391-C-T. GRCh37 (hg19) VCF-style: chr11-123505099-C-T.
Other names: c.585-185G>A (NM_018400.4).
Identifiers: ClinVar variation 671837 (VCV000671837.2), dbSNP rs1148109, ClinGen allele CA13400864.

ClinVar aggregate classification (germline): Benign. Review status: criteria provided, multiple submitters, no conflicts (2 of 4 stars). 2 submissions from 2 submitters: Benign (2). Last evaluated 2018-06-19.

Allele frequency attached by ClinVar (database versions not stated): gnomAD 0.58832 and 0.59153; TOPMed 0.60429; 1000 Genomes Project 30x 0.63882; 1000 Genomes Project 0.63978.
gnomAD v4.1: 89,976 of 152,078 alleles (59%); highest among the groups gnomAD compares: African/African-American, 71%; 27,091 homozygotes.

Submissions (2):

GeneDx
Classification: Benign. Last evaluated: 2018-06-19. Review status: criteria provided, single submitter. Criteria: GeneDx Variant Classification (06012015). Collection method: clinical testing. Allele origin: germline. Affected: yes.
Comment: This variant is considered likely benign or benign based on one or more of the following criteria: it is a conservative change, it occurs at a poorly conserved position in the protein, it is predicted to be benign by multiple in silico algorithms, and/or has population frequency not consistent with disease.

Breakthrough Genomics
Classification: Benign. Review status: criteria provided, single submitter. Criteria: ACMG Guidelines, 2015. Collection method: not provided. Allele origin: germline. Inheritance: Autosomal dominant inheritance. Affected: yes.